The following is an entry in ClinVar:

ClinVar aggregate classification (germline): Uncertain significance. Review status: criteria provided, multiple submitters, no conflicts (2 of 4 stars). 2 submissions from 2 submitters: Uncertain significance (2). Last evaluated 2024-08-20.

gnomAD v4.1: 100 of 1,612,786 alleles (0.0062%); highest among the groups gnomAD compares: Non-Finnish European, 0.0084%; no homozygotes.

Submissions (2):

Ambry Genetics
Classification: Uncertain significance. Last evaluated: 2024-08-20. Review status: criteria provided, single submitter. Criteria: Ambry Variant Classification Scheme 2023. Collection method: clinical testing. Allele origin: germline.

Labcorp Genetics (formerly Invitae), Labcorp
Classification: Uncertain significance. Last evaluated: 2024-02-03. Review status: criteria provided, single submitter. Criteria: Invitae Variant Classification Sherloc (09022015). Collection method: clinical testing. Allele origin: germline.
Comment: This sequence change replaces histidine, which is basic and polar, with arginine, which is basic and polar, at codon 1813 of the SORL1 protein (p.His1813Arg). This variant is present in population databases (rs138702824, gnomAD 0.006%). This variant has not been reported in the literature in individuals affected with SORL1-related conditions. An algorithm developed to predict the effect of missense changes on protein structure and function (PolyPhen-2) suggests that this variant is likely to be tolerated. In summary, the available evidence is currently insufficient to determine the role of this variant in disease. Therefore, it has been classified as a Variant of Uncertain Significance.

NM_003105.6(SORL1):c.5438A>G (p.His1813Arg)

Gene: SORL1 (sortilin related receptor 1; plus strand). Cytogenetic location: 11q24.1.
Variant type: single nucleotide variant.
Coding change: c.5438A>G on transcript NM_003105.6 (MANE Select); coding-DNA position 5438, A replaced by G.
Protein change: p.His1813Arg; replaces histidine 1813 with arginine.
Molecular consequence: missense variant.
Genome position (GRCh38, 1-based): chr11:121,614,889, A>G. VCF-style: chr11-121614889-A-G. GRCh37 (hg19) VCF-style: chr11-121485598-A-G.
Other names: short protein forms H1813R.
Identifiers: ClinVar variation 3447275 (VCV003447275.3).